The following is an entry in ClinVar:

ClinVar aggregate classification (germline): Benign/Likely benign. Review status: criteria provided, multiple submitters, no conflicts (2 of 4 stars). 2 submissions from 2 submitters: Benign (1); Likely benign (1). Last evaluated 2026-01-01.

gnomAD v4.1: 41 of 1,573,324 alleles (0.0026%); highest among the groups gnomAD compares: East Asian, 0.014%; no homozygotes.

Submissions (2):

CeGaT Center for Human Genetics Tuebingen
Classification: Benign. Last evaluated: 2026-01-01. Review status: criteria provided, single submitter. Criteria: CeGaT Center For Human Genetics Tuebingen Variant Classification Criteria Version 2. Collection method: clinical testing. Allele origin: germline. Affected: yes. Observed: 1 variant allele.
Comment: SMARCA2: BS1, BS2

Blueprint Genetics
Classification: Likely benign. Last evaluated: 2024-10-18. Review status: criteria provided, single submitter. Criteria: ACMG Guidelines, 2015. Collection method: clinical testing. Allele origin: germline.

NM_003070.5(SMARCA2):c.2772G>A (p.Val924=)

Gene: SMARCA2 (SWI/SNF related BAF chromatin remodeling complex subunit ATPase 2; plus strand). Cytogenetic location: 9p24.3.
Variant type: single nucleotide variant.
Coding change: c.2772G>A on transcript NM_003070.5 (MANE Select); coding-DNA position 2772, G replaced by A.
Protein change: p.Val924=; no amino-acid change (valine 924 retained).
Molecular consequence: synonymous variant.
Genome position (GRCh38, 1-based): chr9:2,088,502, G>A. VCF-style: chr9-2088502-G-A. GRCh37 (hg19) VCF-style: chr9-2088502-G-A.
Other names: c.2772G>A, p.Val924= (NM_001289396.2, NM_139045.4); c.2598G>A, p.Val866= (NM_001289397.2).
Identifiers: ClinVar variation 4821349 (VCV004821349.5).
Genomic context (GRCh38, chr9:2,088,502, plus strand): 5'-ATTGTATGAAACATCCTTTTCTTTAAAAAATCAAATTCATAATAAGCCTCTCTTACAGGT[G>A]GACTTAAATGAAGAAGAAACTATATTGATCATCAGGCGTCTACATAAGGTGTTAAGACCA-3'
Protein context (NP_003061.3, residues 914-934): NAPFAMTGER[Val924=]DLNEEETILI